The following is an entry in ClinVar:

ClinVar aggregate classification (germline): Likely pathogenic (1 of 4 stars; one submission).

Conditions:
Autosomal recessive nonsyndromic hearing loss 4 (DFNB4). Also called: Enlarged vestibular aqueduct, digenic; Deafness, autosomal recessive 4; FOXI1-Related Pendred Syndrome; KCNJ10-Related Pendred Syndrome; DEAFNESS, AUTOSOMAL RECESSIVE 4, WITH ENLARGED VESTIBULAR AQUEDUCT, DIGENIC; NEUROSENSORY NONSYNDROMIC RECESSIVE DEAFNESS 4. Identifiers: Orphanet 90636, MedGen C3538946, MONDO:0010933, OMIM 600791.

gnomAD v4.1: 4 of 1,614,262 alleles (0.00025%); highest among the groups gnomAD compares: African/African-American, 0.0053%; no homozygotes.

Submission:

Wonkam Laboratory, Johns Hopkins University
Classification: Likely pathogenic for Autosomal recessive nonsyndromic hearing loss 4. Last evaluated: 2024-01-06. Review status: criteria provided, single submitter. Criteria: ACMG Guidelines, 2015. Collection method: research. Allele origin: germline. Inheritance: Autosomal recessive inheritance. Affected: yes. Observed: 2 variant alleles.
Comment: This variant TJP2 c.3506A>G (NM_004817.3) is located in a mutational hot spot and/or critical and well-established functional domain (e.g., active site of an enzyme) without benign variation (PM1), the variant is absent from controls (or at extremely low frequency if recessive) in Exome Sequencing Project, 1000 Genomes Project, or Exome Aggregation Consortium (PM2), Cosegregation with disease in multiple affected family members in a gene definitively known to cause the disease (PP1).

NM_004817.4(TJP2):c.3506A>G (p.Gln1169Arg)

Gene: TJP2 (tight junction protein 2; plus strand). Cytogenetic location: 9q21.11.
Variant type: single nucleotide variant.
Coding change: c.3506A>G on transcript NM_004817.4 (MANE Select); coding-DNA position 3506, A replaced by G.
Protein change: p.Gln1169Arg; replaces glutamine 1169 with arginine.
Molecular consequence: missense variant.
Genome position (GRCh38, 1-based): chr9:69,254,307, A>G. VCF-style: chr9-69254307-A-G. GRCh37 (hg19) VCF-style: chr9-71869223-A-G.
Other names: c.2996A>G, p.Gln999Arg (NM_001170414.2); c.3407A>G, p.Gln1136Arg (NM_001170415.1); c.3599A>G, p.Gln1200Arg (NM_001170416.2); c.3431A>G, p.Gln1144Arg (NM_001369870.1); c.3437A>G, p.Gln1146Arg (NM_001369871.1); c.3395A>G, p.Gln1132Arg (NM_001369872.1); c.3182A>G, p.Gln1061Arg (NM_001369873.1); c.3077A>G, p.Gln1026Arg (NM_001369874.1); and 2 more; short protein forms Q1022R, Q1026R, Q1061R, Q1132R, Q1136R, Q1144R, Q1146R, Q1169R.
Identifiers: ClinVar variation 3767326 (VCV003767326.1).
Genomic context (GRCh38, chr9:69,254,307, plus strand): 5'-CTTATCAGGATACCAGAGGAAGTTATGGCAGTGATGCCGAGGAGGAGGAGTACCGCCAGC[A>G]GCTGTCAGAACACTCCAAGCGCGGTTACTATGGCCAGTCTGCCCGATACCGGGACACAGA-3'
Protein context (NP_004808.2, residues 1159-1179): SDAEEEEYRQ[Gln1169Arg]LSEHSKRGYY